The following is an entry in ClinVar:

NM_019597.5(HNRNPH2):c.737A>G (p.Tyr246Cys)

Genes: HNRNPH2 (heterogeneous nuclear ribonucleoprotein H2; plus strand), RPL36A-HNRNPH2 (RPL36A-HNRNPH2 readthrough; plus strand). Cytogenetic location: Xq22.1.
Variant type: single nucleotide variant.
Coding change: c.737A>G on transcript NM_019597.5 (MANE Select); coding-DNA position 737, A replaced by G.
Protein change: p.Tyr246Cys; replaces tyrosine 246 with cysteine.
Molecular consequence: missense variant. On other transcripts: 3 prime UTR variant (2).
Genome position (GRCh38, 1-based): chrX:101,412,725, A>G. VCF-style: chrX-101412725-A-G. GRCh37 (hg19) VCF-style: chrX-100667713-A-G.
Other names: c.*733A>G (NM_001199973.2, NM_001199974.2); c.737A>G, p.Tyr246Cys (NM_001032393.3); short protein forms Y246C.
Identifiers: ClinVar variation 2432515 (VCV002432515.6), dbSNP rs1928846641, ClinGen allele CA413942854.

ClinVar aggregate classification (germline): Uncertain significance. Review status: criteria provided, multiple submitters, no conflicts (2 of 4 stars). 3 submissions from 3 submitters: Uncertain significance (3). Last evaluated 2025-07-24.

Conditions:
Intellectual developmental disorder, X-linked, syndromic, Bain type. Also called: HNRNPH2-Related Neurodevelopmental Disorder; Intellectual disability, X-linked, syndromic, Bain type. Identifiers: Orphanet 662198, MedGen C4310814, MONDO:0010512, OMIM 300986.

Allele frequency attached by ClinVar (database versions not stated): gnomAD exomes below 0.00001; TOPMed below 0.00001.
gnomAD v4.1: 2 of 1,211,112 alleles (0.00017%); highest among the groups gnomAD compares: Non-Finnish European, 0.00022%; no homozygotes.

Submissions (3):

Dasa
Classification: Uncertain significance for Intellectual developmental disorder, X-linked, syndromic, Bain type. Last evaluated: 2025-07-24. Review status: criteria provided, single submitter. Criteria: DASA Assertion Criteria. Collection method: clinical testing. Allele origin: germline.
Comment: NM_019597.5(HNRNPH2):c.737A>G (p.Tyr246Cys) is a missense variant that results in the substitution of tyrosine with cysteine. This variant is rare in population databases. Computational prediction algorithms are consistent with a benign effect. The currently available literature and clinical evidence are not sufficient to establish a definitive association between this variant and the reported condition. Therefore, this variant is classified as a variant of uncertain significance.

Blueprint Genetics
Classification: Uncertain significance. Last evaluated: 2023-02-24. Review status: criteria provided, single submitter. Criteria: ACMG Guidelines, 2015. Collection method: clinical testing. Allele origin: germline.

Revvity Omics, Revvity
Classification: Uncertain significance for Intellectual developmental disorder, X-linked, syndromic, Bain type. Last evaluated: 2020-03-24. Review status: criteria provided, single submitter. Criteria: ACMG Guidelines, 2015. Collection method: clinical testing. Allele origin: germline.